The following is an entry in ClinVar:

NM_000492.4(CFTR):c.2233G>T (p.Gly745Ter)

Gene: CFTR (CF transmembrane conductance regulator; plus strand). Cytogenetic location: 7q31.2.
Variant type: single nucleotide variant.
Coding change: c.2233G>T on transcript NM_000492.4 (MANE Select); coding-DNA position 2233, G replaced by T.
Protein change: p.Gly745Ter; replaces glycine 745 with a stop codon.
Molecular consequence: nonsense.
Genome position (GRCh38, 1-based): chr7:117,592,400, G>T. VCF-style: chr7-117592400-G-T. GRCh37 (hg19) VCF-style: chr7-117232454-G-T.
Other names: p.Gly745X; short protein forms G745*.
Identifiers: ClinVar variation 53457 (VCV000053457.4), dbSNP rs397508354, ClinGen allele CA326772.
Genomic context (GRCh38, chr7:117,592,400, plus strand): 5'-GAAGAGGATTCTGATGAGCCTTTAGAGAGAAGGCTGTCCTTAGTACCAGATTCTGAGCAG[G>T]GAGAGGCGATACTGCCTCGCATCAGCGTGATCAGCACTGGCCCCACGCTTCAGGCACGAA-3'

ClinVar aggregate classification (germline): Pathogenic. Review status: reviewed by expert panel (3 of 4 stars). 3 submissions from 3 submitters: Pathogenic (1). 2 of the submissions do not count toward it. Last evaluated 2020-07-31.

Conditions:
CFTR-related disorder (CFTR-RD). Also called: CFTR-related condition; CFTR-related disorders. Identifiers: MedGen C5924204, MONDO:7770004.
Cystic fibrosis (CF). Also called: MUCOVISCIDOSIS. Identifiers: Orphanet 586, MedGen C0010674, MONDO:0009061, OMIM 219700. Disease mechanism: loss of function.

Submissions (3):

CFTR2
Classification: Pathogenic for Cystic fibrosis. Last evaluated: 2020-07-31. Review status: reviewed by expert panel. Criteria: Submitter's publication and website. Collection method: research. Allele origin: germline. Affected: yes.

Natera, Inc.
Classification: Pathogenic for CFTR-related disorders. Last evaluated: 2025-08-06. Review status: criteria provided, single submitter. Criteria: Natera Variant Classification Schema (03/2026). Collection method: clinical testing. Allele origin: germline. Not counted in ClinVar's aggregate classification.
Comment: The c.2233G>T variant in CFTR is a nonsense variant predicted to introduce a stop codon at amino acid 745. This variant is expected to result in nonsense mediated decay, truncation, or a dysfunctional protein product. This variant is rare in the general population with a frequency below the threshold expected for the associated phenotype(s). This variant has been observed in one or more individuals affected with the associated recessive disease, as either homozygous or compound heterozygous with a second variant (PMID: 37754773). Given the available evidence, this variant is classified as Pathogenic.

CFTR-France
Classification: Pathogenic for cystic fibrosis. Last evaluated: 2018-01-29. Review status: criteria provided, single submitter. Criteria: Claustres M et al. (Hum Mutat 2017). Collection method: curation. Allele origin: germline. Affected: yes. Not counted in ClinVar's aggregate classification.

Literature cited by the submitters: PubMed 37754773 (cited by Natera, Inc.).